The following is an entry in ClinVar:

ClinVar aggregate classification (germline): Uncertain significance (1 of 4 stars; one submission).

Submission:

Labcorp Genetics (formerly Invitae), Labcorp
Classification: Uncertain significance. Last evaluated: 2025-07-07. Review status: criteria provided, single submitter. Criteria: Invitae Variant Classification Sherloc (09022015). Collection method: clinical testing. Allele origin: germline.
Comment: This variant, c.1408_1410del, results in the deletion of 1 amino acid(s) of the LRRCC1 protein (p.Leu470del), but otherwise preserves the integrity of the reading frame. This variant is not present in population databases (gnomAD no frequency). This variant has not been reported in the literature in individuals affected with LRRCC1-related conditions. ClinVar contains an entry for this variant (Variation ID: 3696138). Experimental studies and prediction algorithms are not available or were not evaluated, and the functional significance of this variant is currently unknown. In summary, the available evidence is currently insufficient to determine the role of this variant in disease. Therefore, it has been classified as a Variant of Uncertain Significance.

NM_033402.5(LRRCC1):c.1408_1410del (p.Leu470del)

Gene: LRRCC1 (leucine rich repeat and coiled-coil centrosomal protein 1; plus strand). Cytogenetic location: 8q21.2.
Variant type: Deletion.
Coding change: c.1408_1410del on transcript NM_033402.5 (MANE Select); coding-DNA positions 1408 to 1410, 3 bases deleted (CTT; older notation c.1408_1410delCTT).
Protein change: p.Leu470del; deletes leucine 470.
Genome position (GRCh38, 1-based): chr8:85,126,824-85,126,826, CTT deleted. VCF-style (leftmost placement, unchanged base first): chr8-85126823-ACTT-A. GRCh37 (hg19) VCF-style: chr8-86039058-ACTT-A.
Other names: c.1129_1131del, p.Leu377del (NM_001349636.2); c.982_984del, p.Leu328del (NM_001349637.2); c.511_513del, p.Leu171del (NM_001349638.2); c.271_273del, p.Leu91del (NM_001349639.2); short protein forms L171del, L377del, L470del, L91del, L328del.
Identifiers: ClinVar variation 3696138 (VCV003696138.2).